The following is an entry in ClinVar:

NM_002528.7(NTHL1):c.10T>G (p.Leu4Val)

Gene: NTHL1 (nth like DNA glycosylase 1; minus strand). Cytogenetic location: 16p13.3.
Variant type: single nucleotide variant.
Coding change: c.10T>G on transcript NM_002528.7 (MANE Select); coding-DNA position 10, T replaced by G.
Protein change: p.Leu4Val; replaces leucine 4 with valine.
Molecular consequence: missense variant. On other transcripts: 5 prime UTR variant (1).
Genome position (GRCh38, 1-based): chr16:2,047,814, A>C on the plus strand (T>G on the coding strand, the complement: NTHL1 is on the minus strand). VCF-style: chr16-2047814-A-C. GRCh37 (hg19) VCF-style: chr16-2097815-A-C.
Other names: c.10T>G, p.Leu4Val (NM_001318193.2); c.-169T>G (NM_001318194.2); short protein forms L4V.
Identifiers: ClinVar variation 2861497 (VCV002861497.3), dbSNP rs2548332651, ClinGen allele CA394298674.
Genomic context (GRCh38, chr16:2,047,814, plus strand): 5'-ACCCCCGCGGCCCAGCCCCGGGTCCCAGGCTCCGGCTCCGGGTCAGCATCCTCGCGCTCA[A>C]GGCGGTCATGCCGGACTCCTGCGGACTACACATCCCGGCGGCCCATGCGGCCCCGTCACG-3'
Protein context (NP_002519.2, residues 1-14): MTA[Leu4Val]SARMLTRSRS

ClinVar aggregate classification (germline): Uncertain significance (1 of 4 stars; one submission).

Submission:

Labcorp Genetics (formerly Invitae), Labcorp
Classification: Uncertain significance. Last evaluated: 2025-12-03. Review status: criteria provided, single submitter. Criteria: Invitae Variant Classification Sherloc (09022015). Collection method: clinical testing. Allele origin: germline.
Comment: This sequence change replaces leucine, which is neutral and non-polar, with valine, which is neutral and non-polar, at codon 12 of the NTHL1 protein (p.Leu12Val). This variant is not present in population databases (gnomAD no frequency). This variant has not been reported in the literature in individuals affected with NTHL1-related conditions. ClinVar contains an entry for this variant (Variation ID: 2861497). An algorithm developed to predict the effect of missense changes on protein structure and function outputs the following: PolyPhen-2: "Benign". The valine amino acid residue is found in multiple mammalian species, which suggests that this missense change does not adversely affect protein function. In summary, the available evidence is currently insufficient to determine the role of this variant in disease. Therefore, it has been classified as a Variant of Uncertain Significance.